The following is an entry in ClinVar:

ClinVar aggregate classification (germline): Conflicting classifications of pathogenicity. Review status: criteria provided, conflicting classifications (1 of 4 stars). 3 submissions from 3 submitters: Uncertain significance (2); Likely benign (1). Last evaluated 2026-03-19.

Conditions:
PKD1-related disorder. Also called: PKD1-related condition.
Inborn genetic diseases. Identifiers: MedGen C0950123, MeSH D030342.

Allele frequency attached by ClinVar (database versions not stated): TOPMed 0.00007; gnomAD 0.00009; ExAC 0.00028; 1000 Genomes Project 0.00040.
gnomAD v4.1: 237 of 1,600,150 alleles (0.015%); highest among the groups gnomAD compares: South Asian, 0.15%; 2 homozygotes.

Submissions (3):

PreventionGenetics, part of Exact Sciences
Classification: Likely benign for PKD1-related condition. Last evaluated: 2026-03-19. Review status: criteria provided, single submitter. Criteria: ACMG Guidelines, 2015. Collection method: clinical testing. Allele origin: germline.
Comment: This variant is classified as likely benign based on ACMG/AMP sequence variant interpretation guidelines (Richards et al. 2015 PMID: 25741868, with internal and published modifications).

Women's Health and Genetics/Laboratory Corporation of America, LabCorp
Classification: Uncertain significance. Last evaluated: 2025-09-22. Review status: criteria provided, single submitter. Criteria: LabCorp Variant Classification Summary - May 2015. Collection method: clinical testing. Allele origin: germline.
Comment: Variant summary: PKD1 c.8671G>A (p.Ala2891Thr) results in a non-conservative amino acid change in the encoded protein sequence. Algorithms developed to predict the effect of missense changes on protein structure and function are either unavailable or do not agree on the potential impact of this missense change. The variant allele was found at a frequency of 0.00024 in 234974 control chromosomes (gnomAD). This frequency is not significantly higher than estimated for disease-causing variants in PKD1, allowing no conclusion about variant significance. To our knowledge, no occurrence of c.8671G>A in individuals affected with PKD1-related conditions and no experimental evidence demonstrating its impact on protein function have been reported. ClinVar contains an entry for this variant (Variation ID: 2512875). Based on the evidence outlined above, the variant was classified as uncertain significance.

Ambry Genetics
Classification: Uncertain significance for Inborn genetic diseases. Last evaluated: 2023-03-20. Review status: criteria provided, single submitter. Criteria: Ambry Variant Classification Scheme 2023. Collection method: clinical testing. Allele origin: germline.

NM_001009944.3(PKD1):c.8671G>A (p.Ala2891Thr)

Gene: PKD1 (polycystin 1, transient receptor potential channel interacting; minus strand). Cytogenetic location: 16p13.3.
Variant type: single nucleotide variant.
Coding change: c.8671G>A on transcript NM_001009944.3 (MANE Select); coding-DNA position 8671, G replaced by A.
Protein change: p.Ala2891Thr; replaces alanine 2891 with threonine.
Molecular consequence: missense variant.
Genome position (GRCh38, 1-based): chr16:2,103,386, C>T on the plus strand (G>A on the coding strand, the complement: PKD1 is on the minus strand). VCF-style: chr16-2103386-C-T. GRCh37 (hg19) VCF-style: chr16-2153387-C-T.
Other names: c.8671G>A, p.Ala2891Thr (NM_000296.4); short protein forms A2891T.
Identifiers: ClinVar variation 2512875 (VCV002512875.4), dbSNP rs557892623, ClinGen allele CA7830429.
Genomic context (GRCh38, chr16:2,103,386, plus strand): 5'-GGGTGACCACAGCACCGACGGAGGCCTGGGGCTGGACCACAACGGAGTTGGCGGAGTTGG[C>T]GGAGCTGCGGTGGCCCCGGGCAGCCCAGTCCGAGTTGTTGGGCACCTTCACGGTGATGGC-3'
Protein context (NP_001009944.3, residues 2881-2901): DWAARGHRSS[Ala2891Thr]NSANSVVVQP